The following is an entry in ClinVar:

NM_000070.3(CAPN3):c.1913A>C (p.Gln638Pro)

Gene: CAPN3 (calpain 3; plus strand). Cytogenetic location: 15q15.1.
Variant type: single nucleotide variant.
Coding change: c.1913A>C on transcript NM_000070.3 (MANE Select); coding-DNA position 1913, A replaced by C.
Protein change: p.Gln638Pro; replaces glutamine 638 with proline.
Molecular consequence: missense variant. On other transcripts: intron variant (3).
Genome position (GRCh38, 1-based): chr15:42,408,323, A>C. VCF-style: chr15-42408323-A-C. GRCh37 (hg19) VCF-style: chr15-42700521-A-C.
Other names: c.1895A>C, p.Gln632Pro (NM_024344.2); c.377A>C, p.Gln126Pro (NM_173088.2); c.1639-980A>C (NM_173087.2); c.-81-980A>C (NM_173090.2, NM_173089.2); short protein forms Q126P, Q632P, Q638P.
Identifiers: ClinVar variation 3896532 (VCV003896532.2).
Genomic context (GRCh38, chr15:42,408,323, plus strand): 5'-ACCAGGAGTCAGAGGAGGGCAAAGGCAAAACAAGCCCTGATAAGCAAAAGCAGTCCCCAC[A>C]GGTGTCTGGGCATGTGGCATGGGTGGGGTGGCCAGCACGCTACAGGGGCTTCCTATGCGC-3'
Protein context (NP_000061.1, residues 628-648): TSPDKQKQSP[Gln638Pro]PQPGSSDQES

ClinVar aggregate classification (germline): Likely pathogenic (1 of 4 stars; one submission).

Conditions:
Autosomal recessive limb-girdle muscular dystrophy. Identifiers: Orphanet 102015, MedGen C2931907, MONDO:0015152.

Submission:

Women's Health and Genetics/Laboratory Corporation of America, LabCorp
Classification: Likely pathogenic for Autosomal recessive limb-girdle muscular dystrophy. Last evaluated: 2025-04-03. Review status: criteria provided, single submitter. Criteria: LabCorp Variant Classification Summary - May 2015. Collection method: clinical testing. Allele origin: germline.
Comment: Variant summary: CAPN3 c.1913A>C (p.Gln638Pro) results in a non-conservative amino acid change in the encoded protein sequence. Three of five in-silico tools predict a benign effect of the variant on protein function. Several computational tools predict a significant impact on normal splicing: Two predict the variant abolishes a canonical 5' splicing donor site. One predicts the variant weakens a canonical 5' donor site. One predicts the variant creates a cryptic 5' donor site. At least one publication reports experimental evidence that this variant affects mRNA splicing, resulting in the in-frame loss of exon 16 (example, Dionnet_2020). A different variant encoded within exon 16 (p.Ser606Leu) has been classified as pathogenic at Labcorp for recessive CAPN3-related conditions, suggesting loss of this exon is deleterious. The variant was absent in 251260 control chromosomes. c.1913A>C has been reported in the presumed compound heterozygous and homozygous states in the literature in multiple individuals affected with autosomal recessive Limb-Girdle Muscular Dystrophy (example, Richard_1999, Ten Dam_2019, LOVD) . These data indicate that the variant is likely to be associated with disease. The following publications have been ascertained in the context of this evaluation (PMID: 32668095, 10330340, 30919934). No submitters have cited clinical-significance assessments for this variant to ClinVar. To our knowledge, this variant has not been reported in individuals with autosomal dominant CAPN3-related conditions. Based on the evidence outlined above, this variant is likely pathogenic for autosomal recessive Limb-Girdle Muscular Dystrophy.

Literature cited by the submitters: PubMed 32668095; PubMed 30919934; PubMed 10330340.